The following is an entry in ClinVar:

ClinVar aggregate classification (germline): Uncertain significance (1 of 4 stars; one submission).

Conditions:
Inborn genetic diseases. Identifiers: MedGen C0950123, MeSH D030342.

Submission:

Ambry Genetics
Classification: Uncertain significance for Inborn genetic diseases. Last evaluated: 2023-12-31. Review status: criteria provided, single submitter. Criteria: Ambry Variant Classification Scheme 2023. Collection method: clinical testing. Allele origin: germline.
Comment: The p.A79P variant (also known as c.235G>C), located in coding exon 3 of the RAD51 gene, results from a G to C substitution at nucleotide position 235. The alanine at codon 79 is replaced by proline, an amino acid with highly similar properties. This amino acid position is conserved. In addition, this alteration is predicted to be deleterious by in silico analysis. Since supporting evidence is limited at this time, the clinical significance of this alteration remains unclear.

NM_002875.5(RAD51):c.235G>C (p.Ala79Pro)

Gene: RAD51 (RAD51 recombinase; plus strand). Cytogenetic location: 15q15.1.
Variant type: single nucleotide variant.
Coding change: c.235G>C on transcript NM_002875.5 (MANE Select); coding-DNA position 235, G replaced by C.
Protein change: p.Ala79Pro; replaces alanine 79 with proline.
Molecular consequence: missense variant. On other transcripts: intron variant (2).
Genome position (GRCh38, 1-based): chr15:40,706,186, G>C. VCF-style: chr15-40706186-G-C. GRCh37 (hg19) VCF-style: chr15-40998384-G-C.
Other names: c.235G>C, p.Ala79Pro (NM_001164270.2); c.347-2839G>C (NM_133487.4, NM_001164269.2); short protein forms A79P.
Identifiers: ClinVar variation 3222844 (VCV003222844.1), dbSNP rs2504436304, ClinGen allele CA391749315.